The following is an entry in ClinVar:

NM_001039.4(SCNN1G):c.*1370G>A

Gene: SCNN1G (sodium channel epithelial 1 subunit gamma; plus strand). Cytogenetic location: 16p12.2.
Variant type: single nucleotide variant.
Coding change: c.*1370G>A on transcript NM_001039.4 (MANE Select); 1370 bases downstream of the stop codon, G replaced by A.
Molecular consequence: 3 prime UTR variant.
Genome position (GRCh38, 1-based): chr16:23,216,839, G>A. VCF-style: chr16-23216839-G-A. GRCh37 (hg19) VCF-style: chr16-23228160-G-A.
Identifiers: ClinVar variation 318381 (VCV000318381.5), dbSNP rs72647550, ClinGen allele CA10643203.

ClinVar aggregate classification (germline): Conflicting classifications of pathogenicity. Review status: criteria provided, conflicting classifications (1 of 4 stars). 2 submissions from 1 submitter: Uncertain significance (1); Benign (1). Last evaluated 2018-01-12.

Conditions:
Liddle syndrome 2. Identifiers: MedGen C4748251, MONDO:0020854, OMIM 618114.
Pseudohypoaldosteronism, type IB1, autosomal recessive. Also called: Pseudohypoaldosteronism, Type I, Autosomal Recessive; PHA I, AUTOSOMAL RECESSIVE; Pseudohypoaldosteronism, Type I, Recessive; Autosomal recessive pseudohypoaldosteronism type 1. Identifiers: Orphanet 171876, Orphanet 756, MedGen C5774176, MONDO:0009917, OMIM 264350.

Allele frequency attached by ClinVar (database versions not stated): gnomAD 0.00048 and 0.00050; TOPMed 0.00055; 1000 Genomes Project 30x 0.00109; 1000 Genomes Project 0.00120.

Submissions (2):

Illumina Laboratory Services, Illumina
Classification: Benign for Liddle syndrome 2. Last evaluated: 2018-01-12. Review status: criteria provided, single submitter. Criteria: ICSL Variant Classification Criteria 13 December 2019. Collection method: clinical testing. Allele origin: germline.
Comment: This variant was observed in the ICSL laboratory as part of a predisposition screen in an ostensibly healthy population. It had not been previously curated by ICSL or reported in the Human Gene Mutation Database (HGMD: prior to June 1st, 2018), and was therefore a candidate for classification through an automated scoring system. Utilizing variant allele frequency, disease prevalence and penetrance estimates, and inheritance mode, an automated score was calculated to assess if this variant is too frequent to cause the disease. Based on the score and internal cut-off values, a variant classified as benign is not then subjected to further curation. The score for this variant resulted in a classification of benign for this disease.

Illumina Laboratory Services, Illumina
Classification: Uncertain significance for Pseudohypoaldosteronism, type IB1, autosomal recessive. Last evaluated: 2018-01-12. Review status: criteria provided, single submitter. Criteria: ICSL Variant Classification Criteria 13 December 2019. Collection method: clinical testing. Allele origin: germline.